The following is an entry in ClinVar:

ClinVar aggregate classification (germline): Likely benign. Review status: criteria provided, multiple submitters, no conflicts (2 of 4 stars). 3 submissions from 3 submitters: Likely benign (2). 1 of the submissions does not count toward it. Last evaluated 2025-08-14.

Conditions:
VHL-related disorder. Also called: VHL-related condition.
Von Hippel-Lindau syndrome (VHLS). Also called: VHL syndrome; von Hippel–Lindau syndrome; Von Hippel-Lindau. Identifiers: Orphanet 892, MedGen C0019562, MONDO:0008667, OMIM 193300. Disease mechanism: loss of function.
Chuvash polycythemia. Also called: POLYCYTHEMIA, VHL-DEPENDENT. Identifiers: Orphanet 238557, MedGen C1837915, MONDO:0009892, OMIM 263400.
Hereditary cancer-predisposing syndrome. Also called: Hereditary Cancer Syndrome; Tumor predisposition; Hereditary neoplastic syndrome; Neoplastic Syndromes, Hereditary. Identifiers: Orphanet 140162, MedGen C0027672, MeSH D009386, MONDO:0015356.

Submissions (3):

Ambry Genetics
Classification: Likely benign for Hereditary cancer-predisposing syndrome. Last evaluated: 2025-08-14. Review status: criteria provided, single submitter. Criteria: Ambry Variant Classification Scheme 2023. Collection method: clinical testing. Allele origin: germline.

Labcorp Genetics (formerly Invitae), Labcorp
Classification: Likely benign for Von Hippel-Lindau syndrome; Chuvash polycythemia. Last evaluated: 2024-10-06. Review status: criteria provided, single submitter. Criteria: Invitae Variant Classification Sherloc (09022015). Collection method: clinical testing. Allele origin: germline.

PreventionGenetics, part of Exact Sciences
Classification: Likely benign for VHL-related condition. Last evaluated: 2023-10-30. Review status: no assertion criteria provided. Collection method: clinical testing. Allele origin: germline. Not counted in ClinVar's aggregate classification.
Comment: This variant is classified as likely benign based on ACMG/AMP sequence variant interpretation guidelines (Richards et al. 2015 PMID: 25741868, with internal and published modifications).

NM_000551.4(VHL):c.204G>A (p.Ser68=)

Gene: VHL (von Hippel-Lindau tumor suppressor; plus strand). Cytogenetic location: 3p25.3.
Variant type: single nucleotide variant.
Coding change: c.204G>A on transcript NM_000551.4 (MANE Select); coding-DNA position 204, G replaced by A.
Protein change: p.Ser68=; no amino-acid change (serine 68 retained).
Molecular consequence: synonymous variant. On other transcripts: non-coding transcript variant (1).
Genome position (GRCh38, 1-based): chr3:10,142,051, G>A. VCF-style: chr3-10142051-G-A. GRCh37 (hg19) VCF-style: chr3-10183735-G-A.
Other names: c.204G>A, p.Ser68= (NM_001354723.2, NM_198156.3).
Identifiers: ClinVar variation 3033245 (VCV003033245.5), dbSNP rs773246608, ClinGen allele CA432536410.